The following is an entry in ClinVar:

ClinVar aggregate classification (germline): Uncertain significance (1 of 4 stars; one submission).

Conditions:
D-2-hydroxyglutaric aciduria 2 (D2HGA2). Identifiers: Orphanet 79315, MedGen C3150909, MONDO:0013345, OMIM 613657.

Submission:

Labcorp Genetics (formerly Invitae), Labcorp
Classification: Uncertain significance for D-2-hydroxyglutaric aciduria 2. Last evaluated: 2024-01-08. Review status: criteria provided, single submitter. Criteria: Invitae Variant Classification Sherloc (09022015). Collection method: clinical testing. Allele origin: germline.
Comment: This sequence change replaces tryptophan, which is neutral and slightly polar, with serine, which is neutral and polar, at codon 244 of the IDH2 protein (p.Trp244Ser). This variant is not present in population databases (gnomAD no frequency). This variant has not been reported in the literature in individuals affected with IDH2-related conditions. Advanced modeling of protein sequence and biophysical properties (such as structural, functional, and spatial information, amino acid conservation, physicochemical variation, residue mobility, and thermodynamic stability) performed at Invitae indicates that this missense variant is not expected to disrupt IDH2 protein function with a negative predictive value of 80%. In summary, the available evidence is currently insufficient to determine the role of this variant in disease. Therefore, it has been classified as a Variant of Uncertain Significance.

NM_002168.4(IDH2):c.731G>C (p.Trp244Ser)

Gene: IDH2 (isocitrate dehydrogenase (NADP(+)) 2; minus strand). Cytogenetic location: 15q26.1.
Variant type: single nucleotide variant.
Coding change: c.731G>C on transcript NM_002168.4 (MANE Select); coding-DNA position 731, G replaced by C.
Protein change: p.Trp244Ser; replaces tryptophan 244 with serine.
Molecular consequence: missense variant.
Genome position (GRCh38, 1-based): chr15:90,087,523, C>G on the plus strand (G>C on the coding strand, the complement: IDH2 is on the minus strand). VCF-style: chr15-90087523-C-G. GRCh37 (hg19) VCF-style: chr15-90630755-C-G.
Other names: c.575G>C, p.Trp192Ser (NM_001289910.1); c.341G>C, p.Trp114Ser (NM_001290114.2); short protein forms W114S, W192S, W244S.
Identifiers: ClinVar variation 2707852 (VCV002707852.3), dbSNP rs1900894201, ClinGen allele CA393801733.
Genomic context (GRCh38, chr15:90,087,523, plus strand): 5'-TCCTTGAAACGCCCATCGTAGGCTTTCAGTATGGTGTTCTTGGTGCTCATGTACAGCGGC[C>G]ATTTCTTCTGGATGGCATACTGGAAGCAGCTGTGCGCAAAACCTGAGATGGACTGCAGGG-3'
Protein context (NP_002159.2, residues 234-254): SCFQYAIQKK[Trp244Ser]PLYMSTKNTI